The following is an entry in ClinVar:

ClinVar aggregate classification (germline): Uncertain significance. Review status: criteria provided, multiple submitters, no conflicts (2 of 4 stars). 2 submissions from 2 submitters: Uncertain significance (2). Last evaluated 2026-01-24.

Conditions:
Inborn genetic diseases. Identifiers: MedGen C0950123, MeSH D030342.
Dyskeratosis congenita, autosomal dominant 6 (DKCA6). Identifiers: Orphanet 3322, MedGen C4225284, MONDO:0014690, OMIM 616553.

Submissions (2):

Labcorp Genetics (formerly Invitae), Labcorp
Classification: Uncertain significance for Dyskeratosis congenita, autosomal dominant 6. Last evaluated: 2026-01-24. Review status: criteria provided, single submitter. Criteria: Invitae Variant Classification Sherloc (09022015). Collection method: clinical testing. Allele origin: germline.
Comment: This sequence change is expected to alter the c-terminus of the ACD protein (p.Pro541Leufs*). While this is not anticipated to result in nonsense mediated decay, it is expected to disrupt the last 4 amino acid(s) of the ACD protein and extend the protein by an unknown number of additional amino acid residues. This variant is present in population databases (rs772312742, gnomAD 0.006%). This variant has not been reported in the literature in individuals affected with ACD-related conditions. ClinVar contains an entry for this variant (Variation ID: 941603). Experimental studies and prediction algorithms are not available or were not evaluated, and the functional significance of this variant is currently unknown. In summary, the available evidence is currently insufficient to determine the role of this variant in disease. Therefore, it has been classified as a Variant of Uncertain Significance.

Ambry Genetics
Classification: Uncertain significance for Inborn genetic diseases. Last evaluated: 2023-03-24. Review status: criteria provided, single submitter. Criteria: Ambry Variant Classification Scheme 2023. Collection method: clinical testing. Allele origin: germline.
Comment: Not expected to trigger nonsense-mediated mRNA decay Based on insufficient or conflicting evidence, the clinical significance of this alteration remains unclear.

NM_001082486.2(ACD):c.1364_1367del (p.Pro455fs)

Gene: ACD (ACD shelterin complex subunit and telomerase recruitment factor; minus strand). Cytogenetic location: 16q22.1.
Variant type: Deletion.
Coding change: c.1364_1367del on transcript NM_001082486.2 (MANE Select); coding-DNA positions 1364 to 1367, 4 bases deleted (CAAC; older notation c.1364_1367delCAAC).
Protein change: p.Pro455fs; shifts the reading frame from proline 455.
Molecular consequence: frameshift variant.
Genome position (GRCh38, 1-based): chr16:67,657,616-67,657,619, GTTG deleted on the plus strand (CAAC on the coding strand, the reverse complement: ACD is on the minus strand); deleting any 4 consecutive bases within chr16:67,657,616-67,657,620 gives the same sequence; the c. name uses the placement nearest the transcript's 3' end. VCF-style (leftmost placement, unchanged base first): chr16-67657615-AGTTG-A. GRCh37 (hg19) VCF-style: chr16-67691518-AGTTG-A.
Other names: c.1355_1358del, p.Pro452fs (NM_022914.3); c.1622_1625delCAAC (NM_001082486.1); short protein forms P452fs, P455fs.
Identifiers: ClinVar variation 941603 (VCV000941603.9), dbSNP rs772312742, ClinGen allele CA8114355.